The following is an entry in ClinVar:

ClinVar aggregate classification (germline): Uncertain significance. Review status: criteria provided, multiple submitters, no conflicts (2 of 4 stars). 3 submissions from 3 submitters: Uncertain significance (3). Last evaluated 2024-01-18.

Conditions:
Hereditary cancer-predisposing syndrome. Also called: Hereditary Cancer Syndrome; Hereditary neoplastic syndrome; Neoplastic Syndromes, Hereditary; Tumor predisposition. Identifiers: Orphanet 140162, MedGen C0027672, MeSH D009386, MONDO:0015356.
Oligodontia-cancer predisposition syndrome. Also called: TOOTH AGENESIS-COLORECTAL CANCER SYNDROME. Identifiers: Orphanet 300576, MedGen C1837750, MONDO:0012075, OMIM 608615. Disease mechanism: loss of function.

Allele frequency attached by ClinVar (database versions not stated): TOPMed below 0.00001.

Submissions (3):

Labcorp Genetics (formerly Invitae), Labcorp
Classification: Uncertain significance for Oligodontia-cancer predisposition syndrome. Last evaluated: 2024-01-18. Review status: criteria provided, single submitter. Criteria: Invitae Variant Classification Sherloc (09022015). Collection method: clinical testing. Allele origin: germline.
Comment: This sequence change replaces leucine, which is neutral and non-polar, with valine, which is neutral and non-polar, at codon 243 of the AXIN2 protein (p.Leu243Val). This variant is not present in population databases (gnomAD no frequency). This variant has not been reported in the literature in individuals affected with AXIN2-related conditions. ClinVar contains an entry for this variant (Variation ID: 408841). Advanced modeling of protein sequence and biophysical properties (such as structural, functional, and spatial information, amino acid conservation, physicochemical variation, residue mobility, and thermodynamic stability) performed at Invitae indicates that this missense variant is not expected to disrupt AXIN2 protein function with a negative predictive value of 80%. In summary, the available evidence is currently insufficient to determine the role of this variant in disease. Therefore, it has been classified as a Variant of Uncertain Significance.

Ambry Genetics
Classification: Uncertain significance for Hereditary cancer-predisposing syndrome. Last evaluated: 2022-10-17. Review status: criteria provided, single submitter. Criteria: Ambry Variant Classification Scheme 2023. Collection method: clinical testing. Allele origin: germline.
Comment: The p.L243V variant (also known as c.727C>G), located in coding exon 1 of the AXIN2 gene, results from a C to G substitution at nucleotide position 727. The leucine at codon 243 is replaced by valine, an amino acid with highly similar properties. This alteration was detected in 1/224 unrelated Brazilian individuals with breast cancer (Sandoval RL et al. PLoS One, 2021 Feb;16:e0247363). This amino acid position is not well conserved in available vertebrate species. In addition, this alteration is predicted to be tolerated by in silico analysis. Since supporting evidence is limited at this time, the clinical significance of this alteration remains unclear.

Mendelics
Classification: Uncertain significance for Oligodontia-cancer predisposition syndrome. Last evaluated: 2019-05-28. Review status: criteria provided, single submitter. Criteria: Mendelics Assertion Criteria 2017. Collection method: clinical testing. Allele origin: unknown.

Literature cited by the submitters: PubMed 33606809 (cited by Ambry Genetics).

NM_004655.4(AXIN2):c.727C>G (p.Leu243Val)

Gene: AXIN2 (axin 2; minus strand). Cytogenetic location: 17q24.1.
Variant type: single nucleotide variant.
Coding change: c.727C>G on transcript NM_004655.4 (MANE Select); coding-DNA position 727, C replaced by G.
Protein change: p.Leu243Val; replaces leucine 243 with valine.
Molecular consequence: missense variant.
Genome position (GRCh38, 1-based): chr17:65,557,894, G>C on the plus strand (C>G on the coding strand, the complement: AXIN2 is on the minus strand). VCF-style: chr17-65557894-G-C. GRCh37 (hg19) VCF-style: chr17-63554012-G-C.
Other names: c.727C>G (LRG_296t1); c.727C>G, p.Leu243Val (NM_001363813.1); short protein forms L243V.
Identifiers: ClinVar variation 408841 (VCV000408841.12), dbSNP rs1060502152, ClinGen allele CA16615622.